The following is an entry in ClinVar:

ClinVar aggregate classification (germline): Benign. Review status: reviewed by expert panel (3 of 4 stars). 3 submissions from 3 submitters: Benign (1). 2 of the submissions do not count toward it. Last evaluated 2022-03-08.

Conditions:
Very long chain acyl-CoA dehydrogenase deficiency (ACADVLD). Also called: VLCAD Deficiency; Very Long-Chain Acyl-Coenzyme A Dehydrogenase Deficiency. Identifiers: Orphanet 26793, MedGen C3887523, MONDO:0008723, OMIM 201475.

Allele frequency attached by ClinVar (database versions not stated): 1000 Genomes Project 30x 0.00047; gnomAD 0.00053; TOPMed 0.00130.
gnomAD v4.1: 852 of 1,594,020 alleles (0.053%); highest among the groups gnomAD compares: Admixed American, 1.4%; 15 homozygotes.

Submissions (3):

ClinGen ACADVL Variant Curation Expert Panel, ClinGen
Classification: Benign for Very long chain acyl-CoA dehydrogenase deficiency. Last evaluated: 2022-03-08. Review status: reviewed by expert panel. Criteria: clingen acadvl acmg specifications v1. Collection method: curation. Allele origin: germline. Inheritance: Autosomal recessive inheritance.
Comment: The c.63-35G>A variant in ACADVL is an intronic variant which occurs in intron 1. The highest population minor allele frequency in gnomAD v2.1.1 is 0.02152 in the Latino/Admixed American population, which is higher than the ClinGen ACADVL Variant Curation Expert Panel threshold (≥0.007) for BA1, and therefore meets this criterion (BA1). The results from 2 in silico splicing predictors (SpliceAI, NNSplice) support that this variant does not affect splicing (BP4). In summary, this variant meets the criteria to be classified as benign for autosomal recessive very long chain acyl-CoA dehydrogenase (VLCAD) deficiency based on the ACMG/AMP criteria applied, as specified by the ClinGen ACADVL Variant Curation Expert Panel: BA1, BP4 (VCEP specifications v2.0, approved on 09/16/2021).

Wong Mito Lab, Molecular and Human Genetics, Baylor College of Medicine
Classification: Uncertain significance for Very long chain acyl-CoA dehydrogenase deficiency. Last evaluated: 2019-11-01. Review status: criteria provided, single submitter. Criteria: ACMG Guidelines, 2015. Collection method: clinical testing. Allele origin: germline. Not counted in ClinVar's aggregate classification.
Comment: The NM_000018.3:c.63-35G>A (NP_000009.1:p.?) [GRCH38: NC_000017.11:g.7220087G>A] variant in ACADVL gene is interpretated to be Uncertain Significance based on ACMG guidelines (PMID: 25741868). This variant has been reported. This variant dose not meet any evidence codes reported in the ACMG guidelines.

ARUP Laboratories, Molecular Genetics and Genomics, ARUP Laboratories
Classification: Benign for Very long chain acyl-CoA dehydrogenase deficiency. Last evaluated: 2018-09-04. Review status: criteria provided, single submitter. Criteria: ARUP Molecular Germline Variant Investigation Process. Collection method: clinical testing. Allele origin: germline. Not counted in ClinVar's aggregate classification.

NM_000018.4(ACADVL):c.63-35G>A

Genes: ACADVL (acyl-CoA dehydrogenase very long chain; plus strand), LOC130060113 (ATAC-STARR-seq lymphoblastoid silent region 8088; plus strand). Cytogenetic location: 17p13.1.
Variant type: single nucleotide variant.
Coding change: c.63-35G>A on transcript NM_000018.4 (MANE Select); 35 bases into the intron before coding-DNA position 63, G replaced by A.
Molecular consequence: intron variant. On other transcripts: 5 prime UTR variant (1).
Genome position (GRCh38, 1-based): chr17:7,220,087, G>A. VCF-style: chr17-7220087-G-A. GRCh37 (hg19) VCF-style: chr17-7123406-G-A.
Other names: c.-201G>A (NM_001270448.2); c.132-35G>A (NM_001270447.2); c.63-35G>A (NM_001033859.3).
Identifiers: ClinVar variation 811499 (VCV000811499.13), dbSNP rs774905326, ClinGen allele CA8337533.